The following is an entry in ClinVar:

NM_001330260.2(SCN8A):c.1984C>T (p.Arg662Cys)

Gene: SCN8A (sodium voltage-gated channel alpha subunit 8; plus strand). Cytogenetic location: 12q13.13.
Variant type: single nucleotide variant.
Coding change: c.1984C>T on transcript NM_001330260.2 (MANE Select); coding-DNA position 1984, C replaced by T.
Protein change: p.Arg662Cys; replaces arginine 662 with cysteine.
Molecular consequence: missense variant.
Genome position (GRCh38, 1-based): chr12:51,721,894, C>T. VCF-style: chr12-51721894-C-T. GRCh37 (hg19) VCF-style: chr12-52115678-C-T.
Other names: p.R662C:CGT>TGT; c.1984C>T, p.Arg662Cys (NM_001177984.3, NM_001369788.1, NM_014191.4); short protein forms R662C.
Identifiers: ClinVar variation 207108 (VCV000207108.5), dbSNP rs76222829, ClinGen allele CA318254.

ClinVar aggregate classification (germline): Uncertain significance. Review status: criteria provided, multiple submitters, no conflicts (2 of 4 stars). 3 submissions from 3 submitters: Uncertain significance (3). Last evaluated 2024-02-03.

Conditions:
Early-infantile DEE. Also called: Ohtahara syndrome; Early infantile epileptic encephalopathy; Early infantile epileptic encephalopathy with suppression bursts. Identifiers: Orphanet 1934, MedGen C0393706, MONDO:0800491.
Cognitive impairment with or without cerebellar ataxia (CIAT). Identifiers: MedGen C3280415, MONDO:0013680, OMIM 614306.

Allele frequency attached by ClinVar (database versions not stated): gnomAD exomes below 0.00001.
gnomAD v4.1: 1 of 1,600,020 alleles (0.000062%); highest among the groups gnomAD compares: Non-Finnish European, 0.000085%; no homozygotes.

Submissions (3):

Labcorp Genetics (formerly Invitae), Labcorp
Classification: Uncertain significance for Early-infantile DEE. Last evaluated: 2024-02-03. Review status: criteria provided, single submitter. Criteria: Invitae Variant Classification Sherloc (09022015). Collection method: clinical testing. Allele origin: germline.
Comment: This sequence change replaces arginine, which is basic and polar, with cysteine, which is neutral and slightly polar, at codon 662 of the SCN8A protein (p.Arg662Cys). The frequency data for this variant in the population databases is considered unreliable, as metrics indicate poor data quality at this position in the gnomAD database. This missense change has been observed in individual(s) with clinical features of SCN8A-related conditions (PMID: 23708187; Invitae). ClinVar contains an entry for this variant (Variation ID: 207108). Advanced modeling of protein sequence and biophysical properties (such as structural, functional, and spatial information, amino acid conservation, physicochemical variation, residue mobility, and thermodynamic stability) has been performed at Invitae for this missense variant, however the output from this modeling did not meet the statistical confidence thresholds required to predict the impact of this variant on SCN8A protein function. In summary, the available evidence is currently insufficient to determine the role of this variant in disease. Therefore, it has been classified as a Variant of Uncertain Significance.

Laboratorio de Genetica e Diagnostico Molecular, Hospital Israelita Albert Einstein
Classification: Uncertain significance for Cognitive impairment with or without cerebellar ataxia. Last evaluated: 2022-07-01. Review status: criteria provided, single submitter. Criteria: ACMG Guidelines, 2015. Collection method: clinical testing. Allele origin: germline. Affected: yes. Observed: 1 variant allele.
Comment: ACMG classification criteria: PM2 moderated, PP2 supporting, PP3 supporting

GeneDx
Classification: Uncertain significance. Last evaluated: 2016-10-18. Review status: criteria provided, single submitter. Criteria: GeneDx Variant Classification (06012015). Collection method: clinical testing. Allele origin: germline. Affected: yes.
Comment: p.Arg662Cys (CGT>TGT): c.1984 C>T in exon 12 of the SCN8A gene (NM_014191.3) A variant of unknown significance has been identified in the SCN8A gene. The Arg662Cys variant has not been published as a mutation, nor has it been reported as a benign polymorphism to our knowledge. It was not observed in approximately 6,000 individuals of European and African American ancestry in the NHLBI Exome Sequencing Project, indicating it is not a common benign variant in these populations. The Arg662Cys variant is a non-conservative amino acid substitution, which is likely to impact secondary protein structure as these residues differ in polarity, charge, size and/or other properties. In silico analysis predicts this variant is probably damaging to the protein structure/function. This substitution alters a conserved position in the cytoplasmic region between the first and second homologous domains. However, missense mutations associated with epilepsy have not been reported in this region of the protein. Therefore, based on the currently available information, it is unclear whether this variant is a pathogenic mutation or a rare benign variant. The variant is found in INFANT-EPI panel(s).

Literature cited by the submitters: PubMed 23708187 (cited by Labcorp Genetics (formerly Invitae), Labcorp).